The following is an entry in ClinVar:

NC_000007.14:g.(?_5999098)_(5999285_?)del

Gene: PMS2 (PMS1 homolog 2, mismatch repair system component; minus strand). Cytogenetic location: 7p22.1.
Variant type: Deletion.
Identifiers: ClinVar variation 641558 (VCV000641558.8).

ClinVar aggregate classification (germline): Pathogenic (1 of 4 stars; one submission).

Conditions:
Hereditary nonpolyposis colorectal neoplasms. Identifiers: MedGen C0009405, MeSH D003123.

Submission:

Labcorp Genetics (formerly Invitae), Labcorp
Classification: Pathogenic for Hereditary nonpolyposis colorectal neoplasms. Last evaluated: 2022-10-25. Review status: criteria provided, single submitter. Criteria: Invitae Variant Classification Sherloc (09022015). Collection method: clinical testing. Allele origin: germline.
Comment: This variant is a gross deletion of the genomic region encompassing exon(s) 6 of the PMS2 gene. This variant would be expected to be in-frame, preserving the integrity of the reading frame. A similar copy number variant has been observed in individual(s) with Lynch syndrome-associated tumors (PMID: 23709753). It has also been observed to segregate with disease in related individuals. The region of the PMS2 gene that includes exon(s) 6 has been determined to be clinically significant (PMID: 20205264, 23709753, 24440087). Therefore, deletions that encompass that region are likely to be disease-causing. For these reasons, this variant has been classified as Pathogenic.

Literature cited by the submitters: PubMed 23709753; PubMed 20205264; PubMed 24440087.